The following is an entry in ClinVar:

NM_000492.4(CFTR):c.3683A>G (p.Glu1228Gly)

Genes: CFTR (CF transmembrane conductance regulator; plus strand), CFTR-AS2 (CFTR antisense RNA 2; minus strand). Cytogenetic location: 7q31.2.
Variant type: single nucleotide variant.
Coding change: c.3683A>G on transcript NM_000492.4 (MANE Select); coding-DNA position 3683, A replaced by G.
Protein change: p.Glu1228Gly; replaces glutamic acid 1228 with glycine.
Molecular consequence: missense variant.
Genome position (GRCh38, 1-based): chr7:117,627,736, A>G. VCF-style: chr7-117627736-A-G. GRCh37 (hg19) VCF-style: chr7-117267790-A-G.
Other names: short protein forms E1228G.
Identifiers: ClinVar variation 2573421 (VCV002573421.1), dbSNP rs1190355027, ClinGen allele CA368997468.
Genomic context (GRCh38, chr7:117,627,736, plus strand): 5'-GCCAAATGACTGTCAAAGATCTCACAGCAAAATACACAGAAGGTGGAAATGCCATATTAG[A>G]GAACATTTCCTTCTCAATAAGTCCTGGCCAGAGGGTGAGATTTGAACACTGCTTGCTTTG-3'
Protein context (NP_000483.3, residues 1218-1238): KYTEGGNAIL[Glu1228Gly]NISFSISPGQ

ClinVar aggregate classification (germline): Uncertain significance (1 of 4 stars; one submission).

Allele frequency attached by ClinVar (database versions not stated): gnomAD exomes below 0.00001; TOPMed below 0.00001.
gnomAD v4.1: 8 of 1,612,970 alleles (0.0005%); highest among the groups gnomAD compares: Middle Eastern, 0.017%; 1 homozygote.

Submission:

Women's Health and Genetics/Laboratory Corporation of America, LabCorp
Classification: Uncertain significance. Last evaluated: 2023-06-12. Review status: criteria provided, single submitter. Criteria: LabCorp Variant Classification Summary - May 2015. Collection method: clinical testing. Allele origin: germline.
Comment: Variant summary: CFTR c.3683A>G (p.Glu1228Gly) results in a non-conservative amino acid change located in the ATP-binding domain (IPR003439) of the encoded protein sequence. Three of five in-silico tools predict a damaging effect of the variant on protein function. The variant allele was found at a frequency of 4e-06 in 249722 control chromosomes (gnomAD). The available data on variant occurrences in the general population are insufficient to allow any conclusion about variant significance. c.3683A>G has been reported in the literature as an uninformative genotype (i.e. zygosity not specified) in a cohort individuals who were identified as having Cystic Fibrosis through a newborn screening program in Turkey (Bozdogan_2021) and in the heterozygous state in an individual presenting with failure to thrive, tachypnea, hypoxia with persistent respiratory distress who underwent whole exome sequencing, and who did not have a clinical diagnosis of CF (Monies_2019). These reports do not provide unequivocal conclusions about association of the variant with Cystic Fibrosis. To our knowledge, no experimental evidence demonstrating an impact on protein function has been reported. The following publications have been ascertained in the context of this evaluation (PMID: 33572515, 31130284, 36249513). No clinical diagnostic laboratories have submitted clinical-significance assessments for this variant to ClinVar after 2014. Based on the evidence outlined above, the variant was classified as uncertain significance.

Literature cited by the submitters: PubMed 31130284; PubMed 33572515; PubMed 36249513.